The following is an entry in ClinVar:

NM_001366145.2(TRPM3):c.4994G>A (p.Ser1665Asn)

Genes: KLF9-DT (KLF9 divergent transcript; plus strand), TRPM3 (transient receptor potential cation channel subfamily M member 3; minus strand). Cytogenetic location: 9q21.12.
Variant type: single nucleotide variant.
Coding change: c.4994G>A on transcript NM_001366145.2 (MANE Select); coding-DNA position 4994, G replaced by A.
Protein change: p.Ser1665Asn; replaces serine 1665 with asparagine.
Molecular consequence: missense variant. On other transcripts: intron variant (8).
Genome position (GRCh38, 1-based): chr9:70,536,119, C>T on the plus strand (G>A on the coding strand, the complement: TRPM3 is on the minus strand). VCF-style: chr9-70536119-C-T. GRCh37 (hg19) VCF-style: chr9-73151035-C-T.
Other names: c.4958G>A, p.Ser1653Asn (NM_001007471.4); c.4964G>A, p.Ser1655Asn (NM_001366141.2, NM_001366149.2); c.5069G>A, p.Ser1690Asn (NM_001366147.2); c.4499G>A, p.Ser1500Asn (NM_020952.6); c.4535G>A, p.Ser1512Asn (NM_024971.7); c.4469G>A, p.Ser1490Asn (NM_206944.5); c.4505G>A, p.Ser1502Asn (NM_206945.5); c.4574G>A, p.Ser1525Asn (NM_206946.5); and 9 more; short protein forms S1490N, S1500N, S1502N, S1512N, S1515N, S1525N, S1653N, S1655N.
Identifiers: ClinVar variation 4534982 (VCV004534982.6).

ClinVar aggregate classification (germline): Uncertain significance (1 of 4 stars; one submission).

Submission:

CeGaT Center for Human Genetics Tuebingen
Classification: Uncertain significance. Last evaluated: 2025-10-01. Review status: criteria provided, single submitter. Criteria: CeGaT Center For Human Genetics Tuebingen Variant Classification Criteria Version 2. Collection method: clinical testing. Allele origin: germline. Affected: yes. Observed: 1 variant allele.
Comment: TRPM3: PM2